The following is an entry in ClinVar:

NM_001458.5(FLNC):c.7114T>A (p.Ser2372Thr)

Genes: FLNC-AS1 (FLNC antisense RNA 1; minus strand), FLNC (filamin C; plus strand). Cytogenetic location: 7q32.1.
Variant type: single nucleotide variant.
Coding change: c.7114T>A on transcript NM_001458.5 (MANE Select); coding-DNA position 7114, T replaced by A.
Protein change: p.Ser2372Thr; replaces serine 2372 with threonine.
Molecular consequence: missense variant.
Genome position (GRCh38, 1-based): chr7:128,854,891, T>A. VCF-style: chr7-128854891-T-A. GRCh37 (hg19) VCF-style: chr7-128494945-T-A.
Other names: c.7015T>A, p.Ser2339Thr (NM_001127487.2); short protein forms S2339T, S2372T.
Identifiers: ClinVar variation 4812350 (VCV004812350.1).

ClinVar aggregate classification (germline): Uncertain significance (1 of 4 stars; one submission).

Conditions:
Myofibrillar myopathy 5. Also called: FILAMINOPATHY, AUTOSOMAL DOMINANT; Filaminopathy (type). Identifiers: Orphanet 171445, MedGen C1836050, MONDO:0012289, OMIM 609524.
Distal myopathy with posterior leg and anterior hand involvement. Also called: WILLIAMS DISTAL MYOPATHY. Identifiers: Orphanet 63273, MedGen C3279722, MONDO:0013550, OMIM 614065.
Hypertrophic cardiomyopathy 26. Also called: Cardiomyopathy, familial hypertrophic, 26. Identifiers: Orphanet 75249, MedGen C4310749, MONDO:0014883, OMIM 617047.

Submission:

Labcorp Genetics (formerly Invitae), Labcorp
Classification: Uncertain significance for Distal myopathy with posterior leg and anterior hand involvement; Myofibrillar myopathy 5; Hypertrophic cardiomyopathy 26. Last evaluated: 2025-02-06. Review status: criteria provided, single submitter. Criteria: Invitae Variant Classification Sherloc (09022015). Collection method: clinical testing. Allele origin: germline.
Comment: This sequence change replaces serine, which is neutral and polar, with threonine, which is neutral and polar, at codon 2372 of the FLNC protein (p.Ser2372Thr). This variant is not present in population databases (gnomAD no frequency). This variant has not been reported in the literature in individuals affected with FLNC-related conditions. Invitae Evidence Modeling of protein sequence and biophysical properties (such as structural, functional, and spatial information, amino acid conservation, physicochemical variation, residue mobility, and thermodynamic stability) indicates that this missense variant is not expected to disrupt FLNC protein function with a negative predictive value of 95%. In summary, the available evidence is currently insufficient to determine the role of this variant in disease. Therefore, it has been classified as a Variant of Uncertain Significance.